The following is an entry in ClinVar:

NM_020975.6(RET):c.613A>G (p.Arg205Gly)

Gene: RET (ret proto-oncogene; plus strand). Cytogenetic location: 10q11.21.
Variant type: single nucleotide variant.
Coding change: c.613A>G on transcript NM_020975.6 (MANE Select); coding-DNA position 613, A replaced by G.
Protein change: p.Arg205Gly; replaces arginine 205 with glycine.
Molecular consequence: missense variant.
Genome position (GRCh38, 1-based): chr10:43,102,617, A>G. VCF-style: chr10-43102617-A-G. GRCh37 (hg19) VCF-style: chr10-43598065-A-G.
Other names: c.613A>G, p.Arg205Gly (NM_000323.2, NM_001406743.1, NM_001406744.1 and 16 more transcripts); c.484A>G, p.Arg162Gly (NM_001406761.1, NM_001406762.1, NM_001406764.1 and 4 more transcripts); short protein forms R205G, R162G.
Identifiers: ClinVar variation 560872 (VCV000560872.16), dbSNP rs1564490234, ClinGen allele CA376543672.

ClinVar aggregate classification (germline): Uncertain significance. Review status: criteria provided, multiple submitters, no conflicts (2 of 4 stars). 5 submissions from 5 submitters: Uncertain significance (5). Last evaluated 2025-11-04.

Conditions:
Multiple endocrine neoplasia, type 2 (MEN2). Identifiers: Orphanet 653, MedGen C4048306, MONDO:0019003. Disease mechanism: gain of function.
Hereditary cancer-predisposing syndrome. Also called: Hereditary neoplastic syndrome; Neoplastic Syndromes, Hereditary; Tumor predisposition; Hereditary Cancer Syndrome. Identifiers: Orphanet 140162, MedGen C0027672, MeSH D009386, MONDO:0015356.

Submissions (5):

Labcorp Genetics (formerly Invitae), Labcorp
Classification: Uncertain significance for Multiple endocrine neoplasia, type 2. Last evaluated: 2025-11-04. Review status: criteria provided, single submitter. Criteria: Invitae Variant Classification Sherloc (09022015). Collection method: clinical testing. Allele origin: germline.
Comment: This sequence change replaces arginine, which is basic and polar, with glycine, which is neutral and non-polar, at codon 205 of the RET protein (p.Arg205Gly). This variant is not present in population databases (gnomAD no frequency). This variant has not been reported in the literature in individuals affected with RET-related conditions. ClinVar contains an entry for this variant (Variation ID: 560872). An algorithm developed to predict the effect of missense changes on protein structure and function outputs the following: PolyPhen-2: "Benign". The glycine amino acid residue is found in multiple mammalian species, which suggests that this missense change does not adversely affect protein function. In summary, the available evidence is currently insufficient to determine the role of this variant in disease. Therefore, it has been classified as a Variant of Uncertain Significance.

Ambry Genetics
Classification: Uncertain significance for Hereditary cancer-predisposing syndrome. Last evaluated: 2024-12-20. Review status: criteria provided, single submitter. Criteria: Ambry Variant Classification Scheme 2023. Collection method: clinical testing. Allele origin: germline.
Comment: The p.R205G variant (also known as c.613A>G), located in coding exon 3 of the RET gene, results from an A to G substitution at nucleotide position 613. The arginine at codon 205 is replaced by glycine, an amino acid with dissimilar properties. This amino acid position is not well conserved in available vertebrate species. In addition, this alteration is predicted to be tolerated by in silico analysis. Since supporting evidence is limited at this time, the clinical significance of this alteration remains unclear.

All of Us Research Program, National Institutes of Health
Classification: Uncertain significance for Multiple endocrine neoplasia, type 2. Last evaluated: 2024-03-24. Review status: criteria provided, single submitter. Criteria: ACMG Guidelines, 2015. Collection method: clinical testing. Allele origin: germline. Inheritance: Autosomal dominant inheritance. Observed: 1 variant allele, 1 heterozygote.
Comment: This missense variant replaces arginine with glycine at codon 205 of the RET protein. Computational prediction suggests that this variant may not impact protein structure and function. To our knowledge, functional studies have not been reported for this variant. This variant has not been reported in individuals affected with RET-related disorders in the literature. This variant has not been identified in the general population by the Genome Aggregation Database (gnomAD). The available evidence is insufficient to determine the role of this variant in disease conclusively. Therefore, this variant is classified as a Variant of Uncertain Significance.

This study involves interpretation of variants in research participants for the purpose of population health screening. Participant phenotype was not available at the time of variant classification. Additional details can be found in publication PMID: 35346344, PMCID: PMC8962531

Quest Diagnostics Nichols Institute San Juan Capistrano
Classification: Uncertain significance. Last evaluated: 2023-10-05. Review status: criteria provided, single submitter. Criteria: Quest Diagnostics criteria. Collection method: clinical testing. Allele origin: unknown.

PreventionGenetics, part of Exact Sciences
Classification: Uncertain significance. Last evaluated: 2017-03-20. Review status: criteria provided, single submitter. Criteria: ACMG Guidelines, 2015. Collection method: clinical testing. Allele origin: germline.